The following is an entry in ClinVar:

ClinVar aggregate classification (germline): Uncertain significance. Review status: criteria provided, multiple submitters, no conflicts (2 of 4 stars). 2 submissions from 2 submitters: Uncertain significance (2). Last evaluated 2025-08-21.

gnomAD v4.1: 3 of 1,612,476 alleles (0.00019%); highest among the groups gnomAD compares: African/African-American, 0.0013%; no homozygotes.

Submissions (2):

Ambry Genetics
Classification: Uncertain significance. Last evaluated: 2025-08-21. Review status: criteria provided, single submitter. Criteria: Ambry Variant Classification Scheme 2023. Collection method: clinical testing. Allele origin: germline.

Labcorp Genetics (formerly Invitae), Labcorp
Classification: Uncertain significance. Last evaluated: 2024-03-22. Review status: criteria provided, single submitter. Criteria: Invitae Variant Classification Sherloc (09022015). Collection method: clinical testing. Allele origin: germline.
Comment: This sequence change replaces alanine, which is neutral and non-polar, with valine, which is neutral and non-polar, at codon 860 of the GEN1 protein (p.Ala860Val). This variant is not present in population databases (gnomAD no frequency). This variant has not been reported in the literature in individuals affected with GEN1-related conditions. An algorithm developed to predict the effect of missense changes on protein structure and function (PolyPhen-2) suggests that this variant is likely to be tolerated. In summary, the available evidence is currently insufficient to determine the role of this variant in disease. Therefore, it has been classified as a Variant of Uncertain Significance.

NM_001130009.3(GEN1):c.2579C>T (p.Ala860Val)

Gene: GEN1 (GEN1 structure-specific endonuclease; plus strand). Cytogenetic location: 2p24.2.
Variant type: single nucleotide variant.
Coding change: c.2579C>T on transcript NM_001130009.3 (MANE Select); coding-DNA position 2579, C replaced by T.
Protein change: p.Ala860Val; replaces alanine 860 with valine.
Molecular consequence: missense variant.
Genome position (GRCh38, 1-based): chr2:17,781,791, C>T. VCF-style: chr2-17781791-C-T. GRCh37 (hg19) VCF-style: chr2-17963058-C-T.
Other names: c.2579C>T, p.Ala860Val (NM_182625.5); short protein forms A860V.
Identifiers: ClinVar variation 3519740 (VCV003519740.4).